The following is an entry in ClinVar:

ClinVar aggregate classification (germline): Uncertain significance (1 of 4 stars; one submission).

Conditions:
RYR1-related disorder. Also called: RYR1-related condition; RYR1-related disorders. Identifiers: MedGen CN239331.

Submission:

Labcorp Genetics (formerly Invitae), Labcorp
Classification: Uncertain significance for RYR1-related disorder. Last evaluated: 2021-07-25. Review status: criteria provided, single submitter. Criteria: Invitae Variant Classification Sherloc (09022015). Collection method: clinical testing. Allele origin: germline.
Comment: The frequency data for this variant in the population databases is not available, as this variant may be reported as separate entries in the ExAC database. This sequence change replaces serine with histidine at codon 3041 of the RYR1 protein (p.Ser3041His). The serine residue is highly conserved and there is a moderate physicochemical difference between serine and histidine. This variant has not been reported in the literature in individuals with RYR1-related conditions. In summary, the available evidence is currently insufficient to determine the role of this variant in disease. Therefore, it has been classified as a Variant of Uncertain Significance. Algorithms developed to predict the effect of sequence changes on RNA splicing suggest that this variant may disrupt the consensus splice site, but this prediction has not been confirmed by published transcriptional studies. Algorithms developed to predict the effect of missense changes on protein structure and function are either unavailable or do not agree on the potential impact of this missense change (SIFT: "Not Available"; PolyPhen-2: "Benign"; Align-GVGD: "Not Available").

NM_000540.3(RYR1):c.9121_9122delinsCA (p.Ser3041His)

Gene: RYR1 (ryanodine receptor 1; plus strand). Cytogenetic location: 19q13.2.
Variant type: Indel.
Coding change: c.9121_9122delinsCA on transcript NM_000540.3 (MANE Select); coding-DNA positions 9121 to 9122, AG replaced by CA.
Protein change: p.Ser3041His; replaces serine 3041 with histidine.
Molecular consequence: missense variant.
Genome position (GRCh38, 1-based): chr19:38,510,780-38,510,781, AG replaced by CA. VCF-style: chr19-38510780-AG-CA. GRCh37 (hg19) VCF-style: chr19-39001420-AG-CA.
Other names: c.9121_9122delinsCA, p.Ser3041His (NM_001042723.2); short protein forms S3041H.
Identifiers: ClinVar variation 1398851 (VCV001398851.6), dbSNP rs2145656051, ClinGen allele CA2573156330.